The following is an entry in ClinVar:

NM_001345843.2(BRME1):c.-184A>G

Gene: BRME1 (break repair meiotic recombinase recruitment factor 1; minus strand). Cytogenetic location: 19p13.12.
Variant type: single nucleotide variant.
Coding change: c.-184A>G on transcript NM_001345843.2 (MANE Select); 184 bases upstream of the start codon, A replaced by G.
Molecular consequence: 5 prime UTR variant. On other transcripts: intron variant (4).
Genome position (GRCh38, 1-based): chr19:13,905,877, T>C on the plus strand (A>G on the coding strand, the complement: BRME1 is on the minus strand). VCF-style: chr19-13905877-T-C. GRCh37 (hg19) VCF-style: chr19-14016690-T-C.
Other names: c.-184A>G (NM_001345844.2, NM_001345848.2, NM_001393648.1 and 1 more transcripts); c.-363A>G (NM_001345846.2, NM_001345847.2); c.-201+182A>G (NM_001393647.1); c.-22+182A>G (NM_024323.5, NM_001393645.1); c.-118-66A>G (NM_001393646.1).
Identifiers: ClinVar variation 2649405 (VCV002649405.24), dbSNP rs73922798, ClinGen allele CA305608604.

ClinVar aggregate classification (germline): Benign (1 of 4 stars; one submission).

Allele frequency attached by ClinVar (database versions not stated): TOPMed 0.00325; gnomAD 0.00342; 1000 Genomes Project 0.00479; 1000 Genomes Project 30x 0.00484.

Submission:

CeGaT Center for Human Genetics Tuebingen
Classification: Benign. Last evaluated: 2022-12-01. Review status: criteria provided, single submitter. Criteria: CeGaT Center For Human Genetics Tuebingen Variant Classification Criteria Version 2. Collection method: clinical testing. Allele origin: germline. Affected: yes. Observed: 1 variant allele.
Comment: BRME1: BS1, BS2